The following is an entry in ClinVar:

NM_001164665.2(KIAA1549):c.49C>G (p.Pro17Ala)

Gene: KIAA1549 (KIAA1549; minus strand). Cytogenetic location: 7q34.
Variant type: single nucleotide variant.
Coding change: c.49C>G on transcript NM_001164665.2 (MANE Select); coding-DNA position 49, C replaced by G.
Protein change: p.Pro17Ala; replaces proline 17 with alanine.
Molecular consequence: missense variant.
Genome position (GRCh38, 1-based): chr7:138,981,221, G>C on the plus strand (C>G on the coding strand, the complement: KIAA1549 is on the minus strand). VCF-style: chr7-138981221-G-C. GRCh37 (hg19) VCF-style: chr7-138665967-G-C.
Other names: c.49C>G, p.Pro17Ala (NM_020910.3); short protein forms P17A.
Identifiers: ClinVar variation 1394044 (VCV001394044.3), dbSNP rs2130587812, ClinGen allele CA369382578.
Genomic context (GRCh38, chr7:138,981,221, plus strand): 5'-CGCAGCGGGCGGAAGGCCGTCGGCCGCTCGGCCCCGGGGCCAGCGCGACCCCGGCGCGGG[G>C]CTTCCCCTCCATGGCCGCGCCTCGGCGTCGGCGCCGCGCCCCCGGCATTCCCGGCCGGCG-3'
Protein context (NP_001158137.1, residues 7-27): RRRGAAMEGK[Pro17Ala]RAGVALAPGP

ClinVar aggregate classification (germline): Uncertain significance (1 of 4 stars; one submission).

Submission:

Labcorp Genetics (formerly Invitae), Labcorp
Classification: Uncertain significance. Last evaluated: 2021-11-19. Review status: criteria provided, single submitter. Criteria: Invitae Variant Classification Sherloc (09022015). Collection method: clinical testing. Allele origin: germline.
Comment: This sequence change replaces proline, which is neutral and non-polar, with alanine, which is neutral and non-polar, at codon 17 of the KIAA1549 protein (p.Pro17Ala). The frequency data for this variant in the population databases is considered unreliable, as metrics indicate insufficient coverage at this position in the gnomAD database. This variant has not been reported in the literature in individuals affected with KIAA1549-related conditions. Algorithms developed to predict the effect of missense changes on protein structure and function (SIFT, PolyPhen-2, Align-GVGD) all suggest that this variant is likely to be tolerated. In summary, the available evidence is currently insufficient to determine the role of this variant in disease. Therefore, it has been classified as a Variant of Uncertain Significance.